The following is an entry in ClinVar:

NM_001348768.2(HECW2):c.2247T>C (p.Ala749=)

Gene: HECW2 (HECT, C2 and WW domain containing E3 ubiquitin protein ligase 2; minus strand). Cytogenetic location: 2q32.3.
Variant type: single nucleotide variant.
Coding change: c.2247T>C on transcript NM_001348768.2 (MANE Select); coding-DNA position 2247, T replaced by C.
Protein change: p.Ala749=; no amino-acid change (alanine 749 retained).
Molecular consequence: synonymous variant.
Genome position (GRCh38, 1-based): chr2:196,318,643, A>G on the plus strand (T>C on the coding strand, the complement: HECW2 is on the minus strand). VCF-style: chr2-196318643-A-G. GRCh37 (hg19) VCF-style: chr2-197183367-A-G.
Other names: c.1179T>C, p.Ala393= (NM_001304840.3); c.2247T>C, p.Ala749= (NM_020760.4).
Identifiers: ClinVar variation 772856 (VCV000772856.35), dbSNP rs143361492, ClinGen allele CA2038155.

ClinVar aggregate classification (germline): Benign. Review status: criteria provided, multiple submitters, no conflicts (2 of 4 stars). 4 submissions from 4 submitters: Benign (3). 1 of the submissions does not count toward it. Last evaluated 2026-08-01.

Conditions:
HECW2-related disorder. Also called: HECW2-related condition.

Allele frequency attached by ClinVar (database versions not stated): gnomAD 0.00525 and 0.00585; ESP Exome Variant Server 0.00554; TOPMed 0.00583; gnomAD exomes 0.00678 and 0.00707; ExAC 0.00780; 1000 Genomes Project 30x 0.00968; 1000 Genomes Project 0.01018.
gnomAD v4.1: 10,789 of 1,599,026 alleles (0.67%); highest among the groups gnomAD compares: Middle Eastern, 1.8%; 62 homozygotes.

Submissions (4):

CeGaT Center for Human Genetics Tuebingen
Classification: Benign. Last evaluated: 2026-08-01. Review status: criteria provided, single submitter. Criteria: CeGaT Center For Human Genetics Tuebingen Variant Classification Criteria Version 2. Collection method: clinical testing. Allele origin: germline. Affected: yes. Observed: 24 variant alleles.
Comment: HECW2: BP4, BP7, BS1, BS2

Labcorp Genetics (formerly Invitae), Labcorp
Classification: Benign. Last evaluated: 2019-03-01. Review status: criteria provided, single submitter. Criteria: Invitae Variant Classification Sherloc (09022015). Collection method: clinical testing. Allele origin: germline.

Breakthrough Genomics
Classification: Benign. Review status: criteria provided, single submitter. Criteria: ACMG Guidelines, 2015. Collection method: not provided. Allele origin: germline. Inheritance: Autosomal dominant inheritance. Affected: yes.

PreventionGenetics, part of Exact Sciences
Classification: Benign for HECW2-related condition. Last evaluated: 2019-04-22. Review status: no assertion criteria provided. Collection method: clinical testing. Allele origin: germline. Not counted in ClinVar's aggregate classification.
Comment: This variant is classified as benign based on ACMG/AMP sequence variant interpretation guidelines (Richards et al. 2015 PMID: 25741868, with internal and published modifications).